The following is an entry in ClinVar:

ClinVar aggregate classification (germline): Likely benign (1 of 4 stars; one submission).

Allele frequency attached by ClinVar (database versions not stated): 1000 Genomes Project 0.00140; 1000 Genomes Project 30x 0.00172; ESP Exome Variant Server 0.00238; TOPMed 0.00278; gnomAD 0.00303; ExAC 0.00384; gnomAD exomes 0.00466.

Submission:

CeGaT Center for Human Genetics Tuebingen
Classification: Likely benign. Last evaluated: 2023-05-01. Review status: criteria provided, single submitter. Criteria: CeGaT Center For Human Genetics Tuebingen Variant Classification Criteria Version 2. Collection method: clinical testing. Allele origin: germline. Affected: yes. Observed: 1 variant allele.
Comment: PRRC2B: BS2

NM_013318.4(PRRC2B):c.238G>A (p.Val80Ile)

Gene: PRRC2B (proline rich coiled-coil 2B; plus strand). Cytogenetic location: 9q34.13.
Variant type: single nucleotide variant.
Coding change: c.238G>A on transcript NM_013318.4 (MANE Select); coding-DNA position 238, G replaced by A.
Protein change: p.Val80Ile; replaces valine 80 with isoleucine.
Molecular consequence: missense variant.
Genome position (GRCh38, 1-based): chr9:131,432,739, G>A. VCF-style: chr9-131432739-G-A. GRCh37 (hg19) VCF-style: chr9-134308126-G-A.
Other names: c.238G>A, p.Val80Ile (NM_001384818.1, NM_001384821.1, NM_001384822.1 and 1 more transcripts); short protein forms V80I.
Identifiers: ClinVar variation 2659628 (VCV002659628.24), dbSNP rs41302675, ClinGen allele CA5291085.